The following is an entry in ClinVar:

NM_031372.4(HNRNPDL):c.10C>T (p.Pro4Ser)

Gene: HNRNPDL (heterogeneous nuclear ribonucleoprotein D like; minus strand). Cytogenetic location: 4q21.22.
Variant type: single nucleotide variant.
Coding change: c.10C>T on transcript NM_031372.4 (MANE Select); coding-DNA position 10, C replaced by T.
Protein change: p.Pro4Ser; replaces proline 4 with serine.
Molecular consequence: missense variant. On other transcripts: non-coding transcript variant (1).
Genome position (GRCh38, 1-based): chr4:82,429,681, G>A on the plus strand (C>T on the coding strand, the complement: HNRNPDL is on the minus strand). VCF-style: chr4-82429681-G-A. GRCh37 (hg19) VCF-style: chr4-83350834-G-A.
Other names: c.10C>T, p.Pro4Ser (NM_001207000.1); short protein forms P4S.
Identifiers: ClinVar variation 533020 (VCV000533020.9), dbSNP rs1269836189, ClinGen allele CA357174221.

ClinVar aggregate classification (germline): Uncertain significance (1 of 4 stars; one submission).

Conditions:
Autosomal dominant limb-girdle muscular dystrophy type 1G (LGMDD3). Also called: Limb-girdle muscular dystrophy, type 1G; MUSCULAR DYSTROPHY, LIMB-GIRDLE, AUTOSOMAL DOMINANT 3. Identifiers: Orphanet 55596, MedGen C1836765, MONDO:0012193, OMIM 609115.

Allele frequency attached by ClinVar (database versions not stated): gnomAD exomes below 0.00001; TOPMed 0.00002.

Submission:

Labcorp Genetics (formerly Invitae), Labcorp
Classification: Uncertain significance for Autosomal dominant limb-girdle muscular dystrophy type 1G. Last evaluated: 2017-09-25. Review status: criteria provided, single submitter. Criteria: Invitae Variant Classification Sherloc (09022015). Collection method: clinical testing. Allele origin: germline.
Comment: While this variant is not present in population databases, the frequency information is unreliable, as metrics indicate poor data quality at this position in the ExAC database. In summary, the available evidence is currently insufficient to determine the role of this variant in disease. Therefore, it has been classified as a Variant of Uncertain Significance. Algorithms developed to predict the effect of missense changes on protein structure and function do not agree on the potential impact of this missense change (SIFT: "Deleterious"; PolyPhen-2: "Possibly Damaging"; Align-GVGD: "Class C0"). This variant has not been reported in the literature in individuals with HNRNPDL-related disease. This sequence change replaces proline with serine at codon 4 of the HNRNPDL protein (p.Pro4Ser). The proline residue is moderately conserved and there is a moderate physicochemical difference between proline and serine.